The following is an entry in ClinVar:

ClinVar aggregate classification (germline): Uncertain significance. Review status: criteria provided, multiple submitters, no conflicts (2 of 4 stars). 2 submissions from 2 submitters: Uncertain significance (2). Last evaluated 2025-08-09.

Conditions:
Inborn genetic diseases. Identifiers: MedGen C0950123, MeSH D030342.

Allele frequency attached by ClinVar (database versions not stated): ExAC 0.00001; gnomAD 0.00001; gnomAD exomes 0.00001.
gnomAD v4.1: 6 of 1,614,072 alleles (0.00037%); highest among the groups gnomAD compares: South Asian, 0.0033%; no homozygotes.

Submissions (2):

Ambry Genetics
Classification: Uncertain significance for Inborn genetic diseases. Last evaluated: 2025-08-09. Review status: criteria provided, single submitter. Criteria: Ambry Variant Classification Scheme 2023. Collection method: clinical testing. Allele origin: germline.

Women's Health and Genetics/Laboratory Corporation of America, LabCorp
Classification: Uncertain significance. Last evaluated: 2024-01-29. Review status: criteria provided, single submitter. Criteria: LabCorp Variant Classification Summary - May 2015. Collection method: clinical testing. Allele origin: germline.
Comment: Variant summary: TMEM63A c.1973A>G (p.Lys658Arg) results in a conservative amino acid change located in the CSC1/OSCA1-like, 7TM region (IPR003864) of the encoded protein sequence. Three of five in-silico tools predict a benign effect of the variant on protein function. The variant allele was found at a frequency of 4e-06 in 251468 control chromosomes (gnomAD). The available data on variant occurrences in the general population are insufficient to allow any conclusion about variant significance. To our knowledge, no occurrence of c.1973A>G in individuals affected with Leukodystrophy, Hypomyelinating, 19, Transient Infantile and no experimental evidence demonstrating its impact on protein function have been reported. No submitters have cited clinical-significance assessments for this variant to ClinVar. Based on the evidence outlined above, the variant was classified as uncertain significance.

NM_014698.3(TMEM63A):c.1973A>G (p.Lys658Arg)

Gene: TMEM63A (transmembrane protein 63A; minus strand). Cytogenetic location: 1q42.12.
Variant type: single nucleotide variant.
Coding change: c.1973A>G on transcript NM_014698.3 (MANE Select); coding-DNA position 1973, A replaced by G.
Protein change: p.Lys658Arg; replaces lysine 658 with arginine.
Molecular consequence: missense variant.
Genome position (GRCh38, 1-based): chr1:225,850,010, T>C on the plus strand (A>G on the coding strand, the complement: TMEM63A is on the minus strand). VCF-style: chr1-225850010-T-C. GRCh37 (hg19) VCF-style: chr1-226037711-T-C.
Other names: c.1973A>G (NM_014698.2); short protein forms K658R.
Identifiers: ClinVar variation 3063697 (VCV003063697.2), dbSNP rs768300074, ClinGen allele CA1418947.